The following is an entry in ClinVar:

NM_001040108.2(MLH3):c.2336C>A (p.Thr779Asn)

Gene: MLH3 (mutL homolog 3; minus strand). Cytogenetic location: 14q24.3.
Variant type: single nucleotide variant.
Coding change: c.2336C>A on transcript NM_001040108.2 (MANE Select); coding-DNA position 2336, C replaced by A.
Protein change: p.Thr779Asn; replaces threonine 779 with asparagine.
Molecular consequence: missense variant.
Genome position (GRCh38, 1-based): chr14:75,047,320, G>T on the plus strand (C>A on the coding strand, the complement: MLH3 is on the minus strand). VCF-style: chr14-75047320-G-T. GRCh37 (hg19) VCF-style: chr14-75514023-G-T.
Other names: c.2336C>A, p.Thr779Asn (NM_014381.3); short protein forms T779N.
Identifiers: ClinVar variation 933655 (VCV000933655.14), dbSNP rs757053892, ClinGen allele CA7275718.

ClinVar aggregate classification (germline): Uncertain significance. Review status: criteria provided, multiple submitters, no conflicts (2 of 4 stars). 3 submissions from 3 submitters: Uncertain significance (3). Last evaluated 2025-11-08.

Conditions:
Colorectal cancer, hereditary nonpolyposis, type 7. Identifiers: Orphanet 144, MedGen C1858380, MONDO:0013725, OMIM 614385.
MLH3-related disorder. Also called: MLH3-related condition.

Allele frequency attached by ClinVar (database versions not stated): TOPMed 0.00001; gnomAD exomes 0.00002 and 0.00004; ExAC 0.00004.
gnomAD v4.1: 11 of 1,614,074 alleles (0.00068%); highest among the groups gnomAD compares: Admixed American, 0.018%; no homozygotes.

Submissions (3):

Ambry Genetics
Classification: Uncertain significance. Last evaluated: 2025-11-08. Review status: criteria provided, single submitter. Criteria: Ambry Variant Classification Scheme 2023. Collection method: clinical testing. Allele origin: germline.

PreventionGenetics, part of Exact Sciences
Classification: Uncertain significance for MLH3-related condition. Last evaluated: 2025-05-01. Review status: criteria provided, single submitter. Criteria: ACMG Guidelines, 2015. Collection method: clinical testing. Allele origin: germline.
Comment: The MLH3 c.2336C>A variant is predicted to result in the amino acid substitution p.Thr779Asn. To our knowledge, this variant has not been reported in the literature. This variant is reported in 0.029% of alleles in individuals of Latino descent in gnomAD and is interpreted as of uncertain significance in ClinVar. Although we suspect that this variant may be benign, at this time, the clinical significance of this variant is uncertain due to the absence of conclusive functional and genetic evidence.

Labcorp Genetics (formerly Invitae), Labcorp
Classification: Uncertain significance for Colorectal cancer, hereditary nonpolyposis, type 7. Last evaluated: 2022-04-09. Review status: criteria provided, single submitter. Criteria: Invitae Variant Classification Sherloc (09022015). Collection method: clinical testing. Allele origin: germline.
Comment: This sequence change replaces threonine, which is neutral and polar, with asparagine, which is neutral and polar, at codon 779 of the MLH3 protein (p.Thr779Asn). In summary, the available evidence is currently insufficient to determine the role of this variant in disease. Therefore, it has been classified as a Variant of Uncertain Significance. Algorithms developed to predict the effect of missense changes on protein structure and function (SIFT, PolyPhen-2, Align-GVGD) all suggest that this variant is likely to be tolerated. ClinVar contains an entry for this variant (Variation ID: 933655). This variant has not been reported in the literature in individuals affected with MLH3-related conditions. This variant is present in population databases (rs757053892, gnomAD 0.03%).